The following is an entry in ClinVar:

ClinVar aggregate classification (germline): Uncertain significance (1 of 4 stars; one submission).

Conditions:
Inborn genetic diseases. Identifiers: MedGen C0950123, MeSH D030342.

Submission:

Ambry Genetics
Classification: Uncertain significance for Inborn genetic diseases. Last evaluated: 2023-03-27. Review status: criteria provided, single submitter. Criteria: Ambry Variant Classification Scheme 2023. Collection method: clinical testing. Allele origin: germline.
Comment: The p.P753L variant (also known as c.2258C>T), located in coding exon 16 of the LTBP3 gene, results from a C to T substitution at nucleotide position 2258. The proline at codon 753 is replaced by leucine, an amino acid with similar properties. This amino acid position is conserved. In addition, the in silico prediction for this alteration is inconclusive. Since supporting evidence is limited at this time, the clinical significance of this alteration remains unclear.

NM_001130144.3(LTBP3):c.2258C>T (p.Pro753Leu)

Genes: LTBP3 (latent transforming growth factor beta binding protein 3; minus strand), LOC130006029 (ATAC-STARR-seq lymphoblastoid silent region 3532; plus strand). Cytogenetic location: 11q13.1.
Variant type: single nucleotide variant.
Coding change: c.2258C>T on transcript NM_001130144.3 (MANE Select); coding-DNA position 2258, C replaced by T.
Protein change: p.Pro753Leu; replaces proline 753 with leucine.
Molecular consequence: missense variant.
Genome position (GRCh38, 1-based): chr11:65,546,537, G>A on the plus strand (C>T on the coding strand, the complement: LTBP3 is on the minus strand). VCF-style: chr11-65546537-G-A. GRCh37 (hg19) VCF-style: chr11-65314008-G-A.
Other names: c.1907C>T, p.Pro636Leu (NM_001164266.1); c.2258C>T, p.Pro753Leu (NM_021070.4); short protein forms P636L, P753L.
Identifiers: ClinVar variation 2562650 (VCV002562650.2), dbSNP rs2496147841, ClinGen allele CA381269771.
Genomic context (GRCh38, chr11:65,546,537, plus strand): 5'-CCCTGGGCACAGGTGCAGCGGAAGGAGCCCGGGAGGTTCTCGCACCAGCCAGGCGAGCAG[G>A]GGCTGCCCTCGGCGCACTCGTTCACGTCTGCGGCGGAAAGACCTAGCCTCGGACTCTGCC-3'
Protein context (NP_001123616.1, residues 743-763): RDVNECAEGS[Pro753Leu]CSPGWCENLP